The following is an entry in ClinVar:

NM_005765.3(ATP6AP2):c.752T>C (p.Met251Thr)

Gene: ATP6AP2 (ATPase H+ transporting accessory protein 2; plus strand). Cytogenetic location: Xp11.4.
Variant type: single nucleotide variant.
Coding change: c.752T>C on transcript NM_005765.3 (MANE Select); coding-DNA position 752, T replaced by C.
Protein change: p.Met251Thr; replaces methionine 251 with threonine.
Molecular consequence: missense variant.
Genome position (GRCh38, 1-based): chrX:40,600,775, T>C. VCF-style: chrX-40600775-T-C. GRCh37 (hg19) VCF-style: chrX-40460027-T-C.
Other names: short protein forms M251T.
Identifiers: ClinVar variation 1487814 (VCV001487814.8), dbSNP rs2146544175, ClinGen allele CA412757409.
Genomic context (GRCh38, chrX:40,600,775, plus strand): 5'-AAAGTACATAGTTGAGATTCCCAATAATGTTAATAACTAACTTTCAGTTTGCAGATGACA[T>C]GTACAGTCTTTATGGTGGGAATGCAGTGGTAGAGTTAGTCACTGTCAAGTCATTTGACAC-3'
Protein context (NP_005756.2, residues 241-261): VDALQKFADD[Met251Thr]YSLYGGNAVV

ClinVar aggregate classification (germline): Uncertain significance (1 of 4 stars; one submission).

Conditions:
Intellectual developmental disorder, X-linked, syndromic, Hedera type. Also called: Syndromic X-linked intellectual disability Hedera type. Identifiers: Orphanet 93952, MedGen C1845543, MONDO:0010319, OMIM 300423.

Allele frequency attached by ClinVar (database versions not stated): gnomAD exomes below 0.00001.

Submission:

Labcorp Genetics (formerly Invitae), Labcorp
Classification: Uncertain significance for Intellectual developmental disorder, X-linked, syndromic, Hedera type. Last evaluated: 2021-07-14. Review status: criteria provided, single submitter. Criteria: Invitae Variant Classification Sherloc (09022015). Collection method: clinical testing. Allele origin: germline.
Comment: This sequence change replaces methionine with threonine at codon 251 of the ATP6AP2 protein (p.Met251Thr). The methionine residue is moderately conserved and there is a moderate physicochemical difference between methionine and threonine. This variant is not present in population databases (ExAC no frequency). This variant has not been reported in the literature in individuals affected with ATP6AP2-related conditions. Algorithms developed to predict the effect of missense changes on protein structure and function (SIFT, PolyPhen-2, Align-GVGD) all suggest that this variant is likely to be tolerated. In summary, the available evidence is currently insufficient to determine the role of this variant in disease. Therefore, it has been classified as a Variant of Uncertain Significance.